The following is an entry in ClinVar:

ClinVar aggregate classification (germline): Uncertain significance. Review status: criteria provided, multiple submitters, no conflicts (2 of 4 stars). 5 submissions from 5 submitters: Uncertain significance (4). 1 of the submissions does not count toward it. Last evaluated 2024-01-26.

Conditions:
Cardiovascular phenotype. Identifiers: MedGen CN230736.
Familial long QT syndrome (RWS). Also called: Congenital long QT syndrome; Romano-Ward syndrome; VENTRICULAR FIBRILLATION WITH PROLONGED QT INTERVAL. Identifiers: Orphanet 768, MedGen C1141890, MONDO:0019171.
Long QT syndrome (LQTS). Identifiers: MedGen C0023976, MeSH D008133, MONDO:0002442. Disease mechanism: loss of function. Inheritance: Various modes of inheritance.

Submissions (5):

GeneDx
Classification: Uncertain significance. Last evaluated: 2024-01-26. Review status: criteria provided, single submitter. Criteria: GeneDx Variant Classification Process June 2021. Collection method: clinical testing. Allele origin: germline. Affected: yes.
Comment: Reported in two patients with long QT syndrome in published literature (PMID: 19716085); Not observed at significant frequency in large population cohorts (gnomAD); In silico analysis supports that this missense variant has a deleterious effect on protein structure/function; This variant is associated with the following publications: (PMID: 19716085)

All of Us Research Program, National Institutes of Health
Classification: Uncertain significance for Long QT syndrome. Last evaluated: 2023-11-30. Review status: criteria provided, single submitter. Criteria: ACMG Guidelines, 2015. Collection method: clinical testing. Allele origin: germline. Inheritance: Autosomal dominant inheritance. Observed: 1 variant allele, 1 heterozygote.
Comment: This study involves interpretation of variants in research participants for the purpose of population health screening. Participant phenotype was not available at the time of variant classification. Additional details can be found in publication PMID: 35346344, PMCID: PMC8962531

Labcorp Genetics (formerly Invitae), Labcorp
Classification: Uncertain significance for Long QT syndrome. Last evaluated: 2023-04-19. Review status: criteria provided, single submitter. Criteria: Invitae Variant Classification Sherloc (09022015). Collection method: clinical testing. Allele origin: germline.
Comment: An algorithm developed to predict the effect of missense changes on protein structure and function (PolyPhen-2) suggests that this variant is likely to be disruptive. In summary, the available evidence is currently insufficient to determine the role of this variant in disease. Therefore, it has been classified as a Variant of Uncertain Significance. ClinVar contains an entry for this variant (Variation ID: 67373). This missense change has been observed in individual(s) with clinical features of long QT syndrome (PMID: 19716085). This variant is not present in population databases (gnomAD no frequency). This sequence change replaces isoleucine, which is neutral and non-polar, with phenylalanine, which is neutral and non-polar, at codon 728 of the KCNH2 protein (p.Ile728Phe).

Ambry Genetics
Classification: Uncertain significance for Cardiovascular phenotype. Last evaluated: 2017-12-28. Review status: criteria provided, single submitter. Criteria: Ambry Variant Classification Scheme 2023. Collection method: clinical testing. Allele origin: germline.

Cardiovascular Biomedical Research Unit, Royal Brompton & Harefield NHS Foundation Trust
No classification provided. Condition: Familial long QT syndrome. Review status: no classification provided. Collection method: literature only. Allele origin: germline. Not counted in ClinVar's aggregate classification.
Comment: This variant has been reported as associated with Long QT syndrome in the following publications (PMID:19716085). This is a literature report, and does not necessarily reflect the clinical interpretation of the Imperial College / Royal Brompton Cardiovascular Genetics laboratory.

Literature cited by the submitters: PubMed 19716085 (cited by Labcorp Genetics (formerly Invitae), Labcorp and Cardiovascular Biomedical Research Unit, Royal Brompton & Harefield NHS Foundation Trust); PubMed 22581653 (cited by Cardiovascular Biomedical Research Unit, Royal Brompton & Harefield NHS Foundation Trust).

NM_000238.4(KCNH2):c.2182A>T (p.Ile728Phe)

Gene: KCNH2 (potassium voltage-gated channel subfamily H member 2; minus strand). Cytogenetic location: 7q36.1.
Variant type: single nucleotide variant.
Coding change: c.2182A>T on transcript NM_000238.4 (MANE Select); coding-DNA position 2182, A replaced by T.
Protein change: p.Ile728Phe; replaces isoleucine 728 with phenylalanine.
Molecular consequence: missense variant.
Genome position (GRCh38, 1-based): chr7:150,950,384, T>A on the plus strand (A>T on the coding strand, the complement: KCNH2 is on the minus strand). VCF-style: chr7-150950384-T-A. GRCh37 (hg19) VCF-style: chr7-150647472-T-A.
Other names: c.2182A>T (LRG_288t1, NM_000238.2); c.1162A>T, p.Ile388Phe (NM_001204798.2, NM_172057.3); c.1894A>T, p.Ile632Phe (NM_001406753.1, NM_001406756.1); c.2005A>T, p.Ile669Phe (NM_001406755.1); c.1882A>T, p.Ile628Phe (NM_001406757.1); c.2182A>T, p.Ile728Phe (NM_172056.3); short protein forms I388F, I728F, I628F, I669F, I632F.
Identifiers: ClinVar variation 67373 (VCV000067373.8), dbSNP rs199473533, ClinGen allele CA006329.